The following is an entry in ClinVar:

ClinVar aggregate classification (germline): Uncertain significance. Review status: criteria provided, multiple submitters, no conflicts (2 of 4 stars). 3 submissions from 3 submitters: Uncertain significance (3). Last evaluated 2025-04-17.

Conditions:
Neuroblastoma, susceptibility to, 3. Also called: ALK-Related Neuroblastic Tumor Susceptibility. Identifiers: Orphanet 635, MedGen C2751681, MONDO:0013083, OMIM 613014.
Hereditary cancer-predisposing syndrome. Also called: Neoplastic Syndromes, Hereditary; Hereditary neoplastic syndrome; Hereditary Cancer Syndrome; Tumor predisposition. Identifiers: Orphanet 140162, MedGen C0027672, MeSH D009386, MONDO:0015356.

Submissions (3):

Labcorp Genetics (formerly Invitae), Labcorp
Classification: Uncertain significance for Neuroblastoma, susceptibility to, 3. Last evaluated: 2025-04-17. Review status: criteria provided, single submitter. Criteria: Invitae Variant Classification Sherloc (09022015). Collection method: clinical testing. Allele origin: germline.
Comment: This sequence change creates a premature translational stop signal (p.Asp1203Argfs*82) in the ALK gene. It is expected to result in an absent or disrupted protein product. However, the current clinical and genetic evidence is not sufficient to establish whether loss-of-function variants in ALK cause disease. The frequency data for this variant in the population databases is considered unreliable, as metrics indicate poor data quality at this position in the gnomAD database. This variant has not been reported in the literature in individuals affected with ALK-related conditions. ClinVar contains an entry for this variant (Variation ID: 653463). In summary, the available evidence is currently insufficient to determine the role of this variant in disease. Therefore, it has been classified as a Variant of Uncertain Significance.

Ambry Genetics
Classification: Uncertain significance for Hereditary cancer-predisposing syndrome. Last evaluated: 2024-03-11. Review status: criteria provided, single submitter. Criteria: Ambry Variant Classification Scheme 2023. Collection method: clinical testing. Allele origin: germline.
Comment: The c.3605dupG variant, located in coding exon 23 of the ALK gene, results from a duplication of G at nucleotide position 3605, causing a translational frameshift with a predicted alternate stop codon (p.D1203Rfs*82). This alteration is expected to result in premature protein truncation or nonsense-mediated mRNA decay. However, loss of function of ALK has not been clearly established as a mechanism of disease. Since supporting evidence is limited at this time, the clinical significance of this alteration remains unclear.

GeneDx
Classification: Uncertain significance. Last evaluated: 2023-11-05. Review status: criteria provided, single submitter. Criteria: GeneDx Variant Classification Process June 2021. Collection method: clinical testing. Allele origin: germline. Affected: yes.
Comment: Frameshift variant predicted to result in protein truncation or nonsense mediated decay in a gene for which loss-of-function is not a known mechanism of disease; Not observed at significant frequency in large population cohorts (gnomAD); Has not been previously published as pathogenic or benign to our knowledge

NM_004304.5(ALK):c.3605dup (p.Asp1203fs)

Gene: ALK (ALK receptor tyrosine kinase; minus strand). Cytogenetic location: 2p23.2.
Variant type: Duplication.
Coding change: c.3605dup on transcript NM_004304.5 (MANE Select); coding-DNA position 3605, one base duplicated (G; older notation c.3605dupG).
Protein change: p.Asp1203fs; shifts the reading frame from aspartic acid 1203.
Molecular consequence: frameshift variant.
Genome position (GRCh38, 1-based): chr2:29,220,746, C duplicated on the plus strand (G on the coding strand, the reverse complement: ALK is on the minus strand); the first of 6 consecutive C bases (chr2:29,220,746-29,220,751); duplicating any one gives the same sequence. VCF-style (leftmost placement, unchanged base first): chr2-29220745-T-TC. GRCh37 (hg19) VCF-style: chr2-29443611-T-TC.
Other names: c.401dup, p.Asp135fs (NM_001353765.2); c.3605dup (NM_004304.4); short protein forms D135fs, D1203fs.
Identifiers: ClinVar variation 653463 (VCV000653463.14), dbSNP rs1573120189, ClinGen allele CA531766852.